The following is an entry in ClinVar:

ClinVar aggregate classification (germline): Pathogenic (1 of 4 stars; one submission).

Conditions:
Hereditary cancer-predisposing syndrome. Also called: Tumor predisposition; Hereditary neoplastic syndrome; Neoplastic Syndromes, Hereditary; Hereditary Cancer Syndrome. Identifiers: Orphanet 140162, MedGen C0027672, MeSH D009386, MONDO:0015356.

Submission:

Labcorp Genetics (formerly Invitae), Labcorp
Classification: Pathogenic for Hereditary cancer-predisposing syndrome. Last evaluated: 2022-02-25. Review status: criteria provided, single submitter. Criteria: Invitae Variant Classification Sherloc (09022015). Collection method: clinical testing. Allele origin: germline.
Comment: For these reasons, this variant has been classified as Pathogenic. ClinVar contains an entry for this variant (Variation ID: 1076008). This variant has not been reported in the literature in individuals affected with RAD50-related conditions. This variant is not present in population databases (gnomAD no frequency). This sequence change creates a premature translational stop signal (p.Ser471*) in the RAD50 gene. It is expected to result in an absent or disrupted protein product. Loss-of-function variants in RAD50 are known to be pathogenic (PMID: 19409520).

Literature cited by the submitters: PubMed 19409520.

NM_005732.4(RAD50):c.1412C>A (p.Ser471Ter)

Gene: RAD50 (RAD50 double strand break repair protein; plus strand). Cytogenetic location: 5q31.1.
Variant type: single nucleotide variant.
Coding change: c.1412C>A on transcript NM_005732.4 (MANE Select); coding-DNA position 1412, C replaced by A.
Protein change: p.Ser471Ter; replaces serine 471 with a stop codon.
Molecular consequence: nonsense.
Genome position (GRCh38, 1-based): chr5:132,589,797, C>A. VCF-style: chr5-132589797-C-A. GRCh37 (hg19) VCF-style: chr5-131925489-C-A.
Other names: short protein forms S471*.
Identifiers: ClinVar variation 1076008 (VCV001076008.7), dbSNP rs1060501946, ClinGen allele CA360944778.